The following is an entry in ClinVar:

NM_001330078.2(NRXN1):c.3364+19_3364+20delinsGC

Gene: NRXN1 (neurexin 1; minus strand). Cytogenetic location: 2p16.3.
Variant type: Indel.
Coding change: c.3364+19_3364+20delinsGC on transcript NM_001330078.2 (MANE Select); bases 19 to 20 of the intron after coding-DNA position 3364, AT replaced by GC.
Molecular consequence: intron variant.
Genome position (GRCh38, 1-based): chr2:50,465,422-50,465,423, AT replaced by GC on the plus strand (AT replaced by GC on the coding strand, the reverse complement: NRXN1 is on the minus strand). VCF-style: chr2-50465422-AT-GC. GRCh37 (hg19) VCF-style: chr2-50692560-AT-GC.
Other names: c.3253+19_3253+20delinsGC (NM_001330096.2, NM_001330087.2); c.3298+19_3298+20delinsGC (NM_001330083.2, NM_001330084.2); c.3283+19_3283+20delinsGC (NM_001330088.2); c.3361+19_3361+20delinsGC (NM_001330093.2); c.3352+19_3352+20delinsGC (NM_001330094.2); c.3313+19_3313+20delinsGC (NM_001330095.2); c.3340+19_3340+20delinsGC (NM_001330082.2, NM_001330077.2); c.3337+19_3337+20delinsGC (NM_001330085.2); and 2 more.
Identifiers: ClinVar variation 2961324 (VCV002961324.3), dbSNP rs2468582258, ClinGen allele CA2740095606.
Genomic context (GRCh38, chr2:50,465,422, plus strand): 5'-CTTTCAGTGTTAGACTTTAGATATCAAACAGTAACTGGAAGCAACGATGAGTATCAGTCC[AT>GC]ACTCAGAGAGGTACTTACGGTCATTGCAGAGTGGTCCACTGAAGGAAGTCATACTACAGT-3'

ClinVar aggregate classification (germline): Uncertain significance (1 of 4 stars; one submission).

Conditions:
Pitt-Hopkins-like syndrome 2 (PTHSL2). Identifiers: Orphanet 221150, Orphanet 600663, MedGen C3280479, MONDO:0013690, OMIM 614325.

Submission:

Labcorp Genetics (formerly Invitae), Labcorp
Classification: Uncertain significance for Pitt-Hopkins-like syndrome 2. Last evaluated: 2023-04-09. Review status: criteria provided, single submitter. Criteria: Invitae Variant Classification Sherloc (09022015). Collection method: clinical testing. Allele origin: germline.
Comment: This sequence change falls in intron 18 of the NRXN1 gene. It does not directly change the encoded amino acid sequence of the NRXN1 protein. Information on the frequency of this variant in the gnomAD database is not available, as this variant may be reported differently in the database. This variant has not been reported in the literature in individuals affected with NRXN1-related conditions. Experimental studies and prediction algorithms are not available or were not evaluated, and the effect of this variant on mRNA splicing is currently unknown. In summary, the available evidence is currently insufficient to determine the role of this variant in disease. Therefore, it has been classified as a Variant of Uncertain Significance.